The following is an entry in ClinVar:

NM_001232.4(CASQ2):c.277A>G (p.Met93Val)

Gene: CASQ2 (calsequestrin 2; minus strand). Cytogenetic location: 1p13.1.
Variant type: single nucleotide variant.
Coding change: c.277A>G on transcript NM_001232.4 (MANE Select); coding-DNA position 277, A replaced by G.
Protein change: p.Met93Val; replaces methionine 93 with valine.
Molecular consequence: missense variant.
Genome position (GRCh38, 1-based): chr1:115,744,870, T>C on the plus strand (A>G on the coding strand, the complement: CASQ2 is on the minus strand). VCF-style: chr1-115744870-T-C. GRCh37 (hg19) VCF-style: chr1-116287491-T-C.
Other names: short protein forms M93V.
Identifiers: ClinVar variation 3995698 (VCV003995698.1).

ClinVar aggregate classification (germline): Uncertain significance (1 of 4 stars; one submission).

Conditions:
Cardiovascular phenotype. Identifiers: MedGen CN230736.

gnomAD v4.1: 4 of 1,613,810 alleles (0.00025%); highest among the groups gnomAD compares: East Asian, 0.0045%; no homozygotes.

Submission:

Ambry Genetics
Classification: Uncertain significance for Cardiovascular phenotype. Last evaluated: 2025-04-13. Review status: criteria provided, single submitter. Criteria: Ambry Variant Classification Scheme 2023. Collection method: clinical testing. Allele origin: germline.
Comment: The p.M93V variant (also known as c.277A>G), located in coding exon 2 of the CASQ2 gene, results from an A to G substitution at nucleotide position 277. The methionine at codon 93 is replaced by valine, an amino acid with highly similar properties. This amino acid position is conserved. In addition, this alteration is predicted to be tolerated by in silico analysis. Based on the available evidence, the clinical significance of this variant remains unclear.